The following is an entry in ClinVar:

NM_004560.4(ROR2):c.989C>T (p.Thr330Ile)

Gene: ROR2 (receptor tyrosine kinase like orphan receptor 2; minus strand). Cytogenetic location: 9q22.31.
Variant type: single nucleotide variant.
Coding change: c.989C>T on transcript NM_004560.4 (MANE Select); coding-DNA position 989, C replaced by T.
Protein change: p.Thr330Ile; replaces threonine 330 with isoleucine.
Molecular consequence: missense variant.
Genome position (GRCh38, 1-based): chr9:91,731,104, G>A on the plus strand (C>T on the coding strand, the complement: ROR2 is on the minus strand). VCF-style: chr9-91731104-G-A. GRCh37 (hg19) VCF-style: chr9-94493386-G-A.
Other names: c.989C>T, p.Thr330Ile (NM_001318204.2); short protein forms T330I.
Identifiers: ClinVar variation 913293 (VCV000913293.6), dbSNP rs1837228232, ClinGen allele CA373800280.

ClinVar aggregate classification (germline): Uncertain significance. Review status: criteria provided, multiple submitters, no conflicts (2 of 4 stars). 3 submissions from 2 submitters: Uncertain significance (3). Last evaluated 2024-08-31.

Conditions:
Brachydactyly type B1 (BDB1). Identifiers: Orphanet 572385, Orphanet 93383, MedGen C1862112, MONDO:0007220, OMIM 113000.
Autosomal recessive Robinow syndrome (RRS1). Also called: COSTOVERTEBRAL SEGMENTATION DEFECT WITH MESOMELIA; COVESDEM SYNDROME; ROR2-Related Robinow Syndrome; ROBINOW SYNDROME, AUTOSOMAL RECESSIVE 1. Identifiers: Orphanet 1507, Orphanet 97360, MedGen C5399974, MONDO:0009999, OMIM 268310.

Submissions (3):

Labcorp Genetics (formerly Invitae), Labcorp
Classification: Uncertain significance. Last evaluated: 2024-08-31. Review status: criteria provided, single submitter. Criteria: Invitae Variant Classification Sherloc (09022015). Collection method: clinical testing. Allele origin: germline.
Comment: This sequence change replaces threonine, which is neutral and polar, with isoleucine, which is neutral and non-polar, at codon 330 of the ROR2 protein (p.Thr330Ile). This variant is not present in population databases (gnomAD no frequency). This variant has not been reported in the literature in individuals affected with ROR2-related conditions. ClinVar contains an entry for this variant (Variation ID: 913293). Invitae Evidence Modeling of protein sequence and biophysical properties (such as structural, functional, and spatial information, amino acid conservation, physicochemical variation, residue mobility, and thermodynamic stability) indicates that this missense variant is not expected to disrupt ROR2 protein function with a negative predictive value of 80%. In summary, the available evidence is currently insufficient to determine the role of this variant in disease. Therefore, it has been classified as a Variant of Uncertain Significance.

Illumina Laboratory Services, Illumina
Classification: Uncertain significance for Brachydactyly type B1. Last evaluated: 2018-01-12. Review status: criteria provided, single submitter. Criteria: ICSL Variant Classification Criteria 13 December 2019. Collection method: clinical testing. Allele origin: germline.

Illumina Laboratory Services, Illumina
Classification: Uncertain significance for Autosomal recessive Robinow syndrome. Last evaluated: 2018-01-12. Review status: criteria provided, single submitter. Criteria: ICSL Variant Classification Criteria 13 December 2019. Collection method: clinical testing. Allele origin: germline.